The following is an entry in ClinVar:

ClinVar aggregate classification (germline): Uncertain significance (1 of 4 stars; one submission).

Allele frequency attached by ClinVar (database versions not stated): TOPMed below 0.00001.
gnomAD v4.1: 1 of 1,541,164 alleles (0.000065%); highest among the groups gnomAD compares: Admixed American, 0.0019%; no homozygotes.

Submission:

Labcorp Genetics (formerly Invitae), Labcorp
Classification: Uncertain significance. Last evaluated: 2023-03-17. Review status: criteria provided, single submitter. Criteria: Invitae Variant Classification Sherloc (09022015). Collection method: clinical testing. Allele origin: germline.
Comment: The frequency data for this variant in the population databases is considered unreliable, as metrics indicate poor data quality at this position in the gnomAD database. In summary, the available evidence is currently insufficient to determine the role of this variant in disease. Therefore, it has been classified as a Variant of Uncertain Significance. Advanced modeling of protein sequence and biophysical properties (such as structural, functional, and spatial information, amino acid conservation, physicochemical variation, residue mobility, and thermodynamic stability) performed at Invitae indicates that this missense variant is not expected to disrupt BCL11B protein function. This variant has not been reported in the literature in individuals affected with BCL11B-related conditions. This sequence change replaces serine, which is neutral and polar, with arginine, which is basic and polar, at codon 522 of the BCL11B protein (p.Ser522Arg).

NM_138576.4(BCL11B):c.1566C>A (p.Ser522Arg)

Gene: BCL11B (BCL11 transcription factor B; minus strand). Cytogenetic location: 14q32.2.
Variant type: single nucleotide variant.
Coding change: c.1566C>A on transcript NM_138576.4 (MANE Select); coding-DNA position 1566, C replaced by A.
Protein change: p.Ser522Arg; replaces serine 522 with arginine.
Molecular consequence: missense variant.
Genome position (GRCh38, 1-based): chr14:99,175,270, G>T on the plus strand (C>A on the coding strand, the complement: BCL11B is on the minus strand). VCF-style: chr14-99175270-G-T. GRCh37 (hg19) VCF-style: chr14-99641607-G-T.
Other names: c.1563C>A, p.Ser521Arg (NM_001282237.2); c.1350C>A, p.Ser450Arg (NM_001282238.2); c.1353C>A, p.Ser451Arg (NM_022898.3); short protein forms S522R, S451R, S521R, S450R.
Identifiers: ClinVar variation 2846396 (VCV002846396.3), dbSNP rs1433770461, ClinGen allele CA390935096.